The following is an entry in ClinVar:

NM_004360.5(CDH1):c.801T>G (p.Phe267Leu)

Gene: CDH1 (cadherin 1; plus strand). Cytogenetic location: 16q22.1.
Variant type: single nucleotide variant.
Coding change: c.801T>G on transcript NM_004360.5 (MANE Select); coding-DNA position 801, T replaced by G.
Protein change: p.Phe267Leu; replaces phenylalanine 267 with leucine.
Molecular consequence: missense variant. On other transcripts: 5 prime UTR variant (2).
Genome position (GRCh38, 1-based): chr16:68,810,310, T>G. VCF-style: chr16-68810310-T-G. GRCh37 (hg19) VCF-style: chr16-68844213-T-G.
Other names: c.801T>G, p.Phe267Leu (NM_001317184.2); c.-815T>G (NM_001317185.2); c.-1019T>G (NM_001317186.2); short protein forms F267L.
Identifiers: ClinVar variation 1761701 (VCV001761701.2), dbSNP rs763703927, ClinGen allele CA396458844.
Genomic context (GRCh38, chr16:68,810,310, plus strand): 5'-GATTTTGATCACGGTAACCGATCAGAATGACAACAAGCCCGAATTCACCCAGGAGGTCTT[T>G]AAGGGGTCTGTCATGGAAGGTGCTCTTCCAGGTATATCCACTAATGAGAATCTGAATACT-3'
Protein context (NP_004351.1, residues 257-277): DNKPEFTQEV[Phe267Leu]KGSVMEGALP

ClinVar aggregate classification (germline): Uncertain significance (1 of 4 stars; one submission).

Conditions:
Hereditary cancer-predisposing syndrome. Also called: Neoplastic Syndromes, Hereditary; Tumor predisposition; Hereditary Cancer Syndrome; Hereditary neoplastic syndrome. Identifiers: Orphanet 140162, MedGen C0027672, MeSH D009386, MONDO:0015356.

Submission:

Ambry Genetics
Classification: Uncertain significance for Hereditary cancer-predisposing syndrome. Last evaluated: 2022-07-19. Review status: criteria provided, single submitter. Criteria: Ambry Variant Classification Scheme 2023. Collection method: clinical testing. Allele origin: germline.
Comment: The p.F267L variant (also known as c.801T>G), located in coding exon 6 of the CDH1 gene, results from a T to G substitution at nucleotide position 801. The phenylalanine at codon 267 is replaced by leucine, an amino acid with highly similar properties. This amino acid position is conserved. In addition, this alteration is predicted to be tolerated by in silico analysis. Since supporting evidence is limited at this time, the clinical significance of this alteration remains unclear.